The following is an entry in ClinVar:

NM_020365.5(EIF2B3):c.19G>T (p.Val7Leu)

Gene: EIF2B3 (eukaryotic translation initiation factor 2B subunit gamma; minus strand). Cytogenetic location: 1p34.1.
Variant type: single nucleotide variant.
Coding change: c.19G>T on transcript NM_020365.5 (MANE Select); coding-DNA position 19, G replaced by T.
Protein change: p.Val7Leu; replaces valine 7 with leucine.
Molecular consequence: missense variant.
Genome position (GRCh38, 1-based): chr1:44,981,150, C>A on the plus strand (G>T on the coding strand, the complement: EIF2B3 is on the minus strand). VCF-style: chr1-44981150-C-A. GRCh37 (hg19) VCF-style: chr1-45446822-C-A.
Other names: c.19G>T, p.Val7Leu (NM_001166588.3, NM_001261418.2); short protein forms V7L.
Identifiers: ClinVar variation 1360961 (VCV001360961.5), dbSNP rs1452372773, ClinGen allele CA340102270.

ClinVar aggregate classification (germline): Uncertain significance (1 of 4 stars; one submission).

Allele frequency attached by ClinVar (database versions not stated): gnomAD exomes below 0.00001.
gnomAD v4.1: 4 of 1,612,860 alleles (0.00025%); highest among the groups gnomAD compares: Non-Finnish European, 0.00025%; no homozygotes.

Submission:

Labcorp Genetics (formerly Invitae), Labcorp
Classification: Uncertain significance. Last evaluated: 2021-12-02. Review status: criteria provided, single submitter. Criteria: Invitae Variant Classification Sherloc (09022015). Collection method: clinical testing. Allele origin: germline.
Comment: This sequence change replaces valine, which is neutral and non-polar, with leucine, which is neutral and non-polar, at codon 7 of the EIF2B3 protein (p.Val7Leu). This variant is present in population databases (no rsID available, gnomAD 0.0009%). This variant has not been reported in the literature in individuals affected with EIF2B3-related conditions. Algorithms developed to predict the effect of missense changes on protein structure and function (SIFT, PolyPhen-2, Align-GVGD) all suggest that this variant is likely to be tolerated. In summary, the available evidence is currently insufficient to determine the role of this variant in disease. Therefore, it has been classified as a Variant of Uncertain Significance.